The following is an entry in ClinVar:

NM_000232.5(SGCB):c.819T>G (p.Ser273Arg)

Gene: SGCB (sarcoglycan beta; minus strand). Cytogenetic location: 4q12.
Variant type: single nucleotide variant.
Coding change: c.819T>G on transcript NM_000232.5 (MANE Select); coding-DNA position 819, T replaced by G.
Protein change: p.Ser273Arg; replaces serine 273 with arginine.
Molecular consequence: missense variant.
Genome position (GRCh38, 1-based): chr4:52,024,095, A>C on the plus strand (T>G on the coding strand, the complement: SGCB is on the minus strand). VCF-style: chr4-52024095-A-C. GRCh37 (hg19) VCF-style: chr4-52890261-A-C.
Other names: short protein forms S273R.
Identifiers: ClinVar variation 1957181 (VCV001957181.5), dbSNP rs2475212654, ClinGen allele CA356875328.

ClinVar aggregate classification (germline): Uncertain significance (1 of 4 stars; one submission).

Conditions:
Autosomal recessive limb-girdle muscular dystrophy type 2E (LGMDR4). Also called: MUSCULAR DYSTROPHY, LIMB-GIRDLE, AUTOSOMAL RECESSIVE 4. Identifiers: Orphanet 119, MedGen C1858593, MONDO:0011423, OMIM 604286. Disease mechanism: Affects gamma-sarcoglycan and also disrupts the integrity of the entire sarcoglycan complex..

Submission:

Labcorp Genetics (formerly Invitae), Labcorp
Classification: Uncertain significance for Autosomal recessive limb-girdle muscular dystrophy type 2E. Last evaluated: 2022-06-04. Review status: criteria provided, single submitter. Criteria: Invitae Variant Classification Sherloc (09022015). Collection method: clinical testing. Allele origin: germline.
Comment: Algorithms developed to predict the effect of missense changes on protein structure and function (SIFT, PolyPhen-2, Align-GVGD) all suggest that this variant is likely to be tolerated. This variant has not been reported in the literature in individuals affected with SGCB-related conditions. This variant is not present in population databases (gnomAD no frequency). This sequence change replaces serine, which is neutral and polar, with arginine, which is basic and polar, at codon 273 of the SGCB protein (p.Ser273Arg). In summary, the available evidence is currently insufficient to determine the role of this variant in disease. Therefore, it has been classified as a Variant of Uncertain Significance.